The following is an entry in ClinVar:

ClinVar aggregate classification (germline): Uncertain significance (1 of 4 stars; one submission).

Conditions:
Chédiak-Higashi syndrome (CHS). Also called: Chediak-Higashi Syndrome. Identifiers: Orphanet 167, MedGen C0007965, MONDO:0008963, OMIM 214500.

Submission:

Labcorp Genetics (formerly Invitae), Labcorp
Classification: Uncertain significance for Chédiak-Higashi syndrome. Last evaluated: 2022-05-25. Review status: criteria provided, single submitter. Criteria: Invitae Variant Classification Sherloc (09022015). Collection method: clinical testing. Allele origin: germline.
Comment: In summary, the available evidence is currently insufficient to determine the role of this variant in disease. Therefore, it has been classified as a Variant of Uncertain Significance. Algorithms developed to predict the effect of missense changes on protein structure and function are either unavailable or do not agree on the potential impact of this missense change (SIFT: "Deleterious"; PolyPhen-2: "Probably Damaging"; Align-GVGD: "Class C0"). This variant has not been reported in the literature in individuals affected with LYST-related conditions. This variant is not present in population databases (gnomAD no frequency). This sequence change replaces serine, which is neutral and polar, with cysteine, which is neutral and slightly polar, at codon 3274 of the LYST protein (p.Ser3274Cys).

NM_000081.4(LYST):c.9821C>G (p.Ser3274Cys)

Gene: LYST (lysosomal trafficking regulator; minus strand). Cytogenetic location: 1q42.3.
Variant type: single nucleotide variant.
Coding change: c.9821C>G on transcript NM_000081.4 (MANE Select); coding-DNA position 9821, C replaced by G.
Protein change: p.Ser3274Cys; replaces serine 3274 with cysteine.
Molecular consequence: missense variant.
Genome position (GRCh38, 1-based): chr1:235,712,161, G>C on the plus strand (C>G on the coding strand, the complement: LYST is on the minus strand). VCF-style: chr1-235712161-G-C. GRCh37 (hg19) VCF-style: chr1-235875461-G-C.
Other names: c.9821C>G, p.Ser3274Cys (NM_001301365.1); short protein forms S3274C.
Identifiers: ClinVar variation 1996024 (VCV001996024.4), dbSNP rs2527381338, ClinGen allele CA344937799.